The following is an entry in ClinVar:

NM_001099922.3(ALG13):c.2763A>C (p.Pro921=)

Gene: ALG13 (ALG13 UDP-N-acetylglucosaminyltransferase subunit; plus strand). Cytogenetic location: Xq23.
Variant type: single nucleotide variant.
Coding change: c.2763A>C on transcript NM_001099922.3 (MANE Select); coding-DNA position 2763, A replaced by C.
Protein change: p.Pro921=; no amino-acid change (proline 921 retained).
Molecular consequence: synonymous variant. On other transcripts: intron variant (5).
Genome position (GRCh38, 1-based): chrX:111,744,735, A>C. VCF-style: chrX-111744735-A-C. GRCh37 (hg19) VCF-style: chrX-110987963-A-C.
Other names: c.2529A>C, p.Pro843= (NM_001257231.2); c.2383+7856A>C (NM_001257237.2, NM_001257234.2, NM_001257230.2); c.2209+7856A>C (NM_001324293.1); c.2695+7856A>C (NM_001324292.2).
Identifiers: ClinVar variation 756544 (VCV000756544.31), dbSNP rs1602887961, ClinGen allele CA518059764.

ClinVar aggregate classification (germline): Likely benign. Review status: criteria provided, multiple submitters, no conflicts (2 of 4 stars). 2 submissions from 2 submitters: Likely benign (2). Last evaluated 2026-02-01.

Conditions:
Developmental and epileptic encephalopathy, 36 (DEE36). Also called: Congenital disorder of glycosylation, type Is; ALG13-CDG; Epileptic encephalopathy, early infantile, 36. Identifiers: Orphanet 324422, MedGen C4317295, MONDO:0010472, OMIM 300884.

Submissions (2):

Labcorp Genetics (formerly Invitae), Labcorp
Classification: Likely benign for Developmental and epileptic encephalopathy, 36. Last evaluated: 2026-02-01. Review status: criteria provided, single submitter. Criteria: Invitae Variant Classification Sherloc (09022015). Collection method: clinical testing. Allele origin: germline.

CeGaT Center for Human Genetics Tuebingen
Classification: Likely benign. Last evaluated: 2024-10-01. Review status: criteria provided, single submitter. Criteria: CeGaT Center For Human Genetics Tuebingen Variant Classification Criteria Version 2. Collection method: clinical testing. Allele origin: germline. Affected: yes. Observed: 2 variant alleles.
Comment: ALG13: BP4, BP7